The following is an entry in ClinVar:

NM_207122.2(EXT2):c.668G>C (p.Arg223Pro)

Gene: EXT2 (exostosin glycosyltransferase 2; plus strand). Cytogenetic location: 11p11.2.
Variant type: single nucleotide variant.
Coding change: c.668G>C on transcript NM_207122.2 (MANE Select); coding-DNA position 668, G replaced by C.
Protein change: p.Arg223Pro; replaces arginine 223 with proline.
Molecular consequence: missense variant.
Genome position (GRCh38, 1-based): chr11:44,114,226, G>C. VCF-style: chr11-44114226-G-C. GRCh37 (hg19) VCF-style: chr11-44135776-G-C.
Other names: c.767G>C, p.Arg256Pro (NM_000401.3); c.668G>C, p.Arg223Pro (NM_001178083.3, NM_001389628.1, NM_001389630.1); short protein forms R223P, R256P.
Identifiers: ClinVar variation 649849 (VCV000649849.11), dbSNP rs764379119, ClinGen allele CA5954973.

ClinVar aggregate classification (germline): Pathogenic (1 of 4 stars; one submission).

Conditions:
Exostoses, multiple, type 2 (EXT2). Also called: Hereditary Multiple Osteochondromatosis, Type II; EXOSTOSES, MULTIPLE, TYPE II. Identifiers: Orphanet 321, MedGen C1851413, MONDO:0007586, OMIM 133701.

Allele frequency attached by ClinVar (database versions not stated): ExAC 0.00001.

Submission:

Labcorp Genetics (formerly Invitae), Labcorp
Classification: Pathogenic for Exostoses, multiple, type 2. Last evaluated: 2025-10-14. Review status: criteria provided, single submitter. Criteria: Invitae Variant Classification Sherloc (09022015). Collection method: clinical testing. Allele origin: germline.
Comment: This sequence change replaces arginine, which is basic and polar, with proline, which is neutral and non-polar, at codon 223 of the EXT2 protein (p.Arg223Pro). This variant is not present in population databases (gnomAD no frequency). This missense change has been observed in individual(s) with hereditary multiple osteochondromatosis (PMID: 12490068, 17589361, 18165274, 23262345). It has also been observed to segregate with disease in related individuals. ClinVar contains an entry for this variant (Variation ID: 649849). Invitae Evidence Modeling of protein sequence and biophysical properties (such as structural, functional, and spatial information, amino acid conservation, physicochemical variation, residue mobility, and thermodynamic stability) indicates that this missense variant is expected to disrupt EXT2 protein function with a positive predictive value of 95%. For these reasons, this variant has been classified as Pathogenic.

Literature cited by the submitters: PubMed 12490068; PubMed 17589361; PubMed 18165274; PubMed 23262345.